The following is an entry in ClinVar:

NM_022458.4(LMBR1):c.*2667A>T

Gene: LMBR1 (limb development membrane protein 1; minus strand). Cytogenetic location: 7q36.3.
Variant type: single nucleotide variant.
Coding change: c.*2667A>T on transcript NM_022458.4 (MANE Select); 2667 bases downstream of the stop codon, A replaced by T.
Molecular consequence: 3 prime UTR variant. On other transcripts: non-coding transcript variant (1).
Genome position (GRCh38, 1-based): chr7:156,681,411, T>A on the plus strand (A>T on the coding strand, the complement: LMBR1 is on the minus strand). VCF-style: chr7-156681411-T-A. GRCh37 (hg19) VCF-style: chr7-156474105-T-A.
Other names: c.*2667A>T (NM_001350953.2, NM_001350954.2, NM_001350955.2 and 8 more transcripts).
Identifiers: ClinVar variation 359378 (VCV000359378.5), dbSNP rs187134101, ClinGen allele CA10623486.

ClinVar aggregate classification (germline): Benign (1 of 4 stars; one submission).

Conditions:
Polydactyly of a triphalangeal thumb. Also called: POLYDACTYLY OF TRIPHALANGEAL THUMB; TRIPHALANGEAL THUMB-POLYDACTYLY SYNDROME; Polydactyly, preaxial type II. Identifiers: Orphanet 2439, Orphanet 2950, Orphanet 93336, MedGen C1868114, MONDO:0008270, OMIM 174500.

Allele frequency attached by ClinVar (database versions not stated): gnomAD 0.00035 and 0.00037; TOPMed 0.00038; 1000 Genomes Project 0.00040; 1000 Genomes Project 30x 0.00078.

Submission:

Illumina Laboratory Services, Illumina
Classification: Benign for Polydactyly of a triphalangeal thumb. Last evaluated: 2018-01-13. Review status: criteria provided, single submitter. Criteria: ICSL Variant Classification Criteria 13 December 2019. Collection method: clinical testing. Allele origin: germline.
Comment: This variant was observed in the ICSL laboratory as part of a predisposition screen in an ostensibly healthy population. It had not been previously curated by ICSL or reported in the Human Gene Mutation Database (HGMD: prior to June 1st, 2018), and was therefore a candidate for classification through an automated scoring system. Utilizing variant allele frequency, disease prevalence and penetrance estimates, and inheritance mode, an automated score was calculated to assess if this variant is too frequent to cause the disease. Based on the score and internal cut-off values, a variant classified as benign is not then subjected to further curation. The score for this variant resulted in a classification of benign for this disease.